The following is an entry in ClinVar:

NM_001031710.3(KLHL7):c.419A>C (p.Gln140Pro)

Gene: KLHL7 (kelch like family member 7; plus strand). Cytogenetic location: 7p15.3.
Variant type: single nucleotide variant.
Coding change: c.419A>C on transcript NM_001031710.3 (MANE Select); coding-DNA position 419, A replaced by C.
Protein change: p.Gln140Pro; replaces glutamine 140 with proline.
Molecular consequence: missense variant. On other transcripts: non-coding transcript variant (2).
Genome position (GRCh38, 1-based): chr7:23,125,149, A>C. VCF-style: chr7-23125149-A-C. GRCh37 (hg19) VCF-style: chr7-23164768-A-C.
Other names: c.419A>C, p.Gln140Pro (NM_001172428.2); c.275A>C, p.Gln92Pro (NM_018846.5); short protein forms Q140P, Q92P.
Identifiers: ClinVar variation 3726674 (VCV003726674.3).

ClinVar aggregate classification (germline): Uncertain significance. Review status: criteria provided, multiple submitters, no conflicts (2 of 4 stars). 2 submissions from 2 submitters: Uncertain significance (2). Last evaluated 2024-12-10.

Submissions (2):

Labcorp Genetics (formerly Invitae), Labcorp
Classification: Uncertain significance. Last evaluated: 2024-12-10. Review status: criteria provided, single submitter. Criteria: Invitae Variant Classification Sherloc (09022015). Collection method: clinical testing. Allele origin: germline.
Comment: This sequence change replaces glutamine, which is neutral and polar, with proline, which is neutral and non-polar, at codon 140 of the KLHL7 protein (p.Gln140Pro). This variant is not present in population databases (gnomAD no frequency). This variant has not been reported in the literature in individuals affected with KLHL7-related conditions. An algorithm developed to predict the effect of missense changes on protein structure and function (PolyPhen-2) suggests that this variant is likely to be disruptive. In summary, the available evidence is currently insufficient to determine the role of this variant in disease. Therefore, it has been classified as a Variant of Uncertain Significance.

Blueprint Genetics
Classification: Uncertain significance. Last evaluated: 2023-09-22. Review status: criteria provided, single submitter. Criteria: ACMG Guidelines, 2015. Collection method: clinical testing. Allele origin: germline.